The following is an entry in ClinVar:

NM_000256.3(MYBPC3):c.2455A>C (p.Met819Leu)

Gene: MYBPC3 (myosin binding protein C3; minus strand). Cytogenetic location: 11p11.2.
Variant type: single nucleotide variant.
Coding change: c.2455A>C on transcript NM_000256.3 (MANE Select); coding-DNA position 2455, A replaced by C.
Protein change: p.Met819Leu; replaces methionine 819 with leucine.
Molecular consequence: missense variant.
Genome position (GRCh38, 1-based): chr11:47,337,538, T>G on the plus strand (A>C on the coding strand, the complement: MYBPC3 is on the minus strand). VCF-style: chr11-47337538-T-G. GRCh37 (hg19) VCF-style: chr11-47359089-T-G.
Other names: short protein forms M819L.
Identifiers: ClinVar variation 3072277 (VCV003072277.1), dbSNP rs2095883651, ClinGen allele CA380318375.

ClinVar aggregate classification (germline): Uncertain significance (1 of 4 stars; one submission).

Conditions:
Hypertrophic cardiomyopathy. Also called: HYPERTROPHIC MYOCARDIOPATHY. Identifiers: Orphanet 217569, MedGen C0007194, MeSH D002312, MONDO:0005045, HP:0001639.

Submission:

All of Us Research Program, National Institutes of Health
Classification: Uncertain significance for Hypertrophic cardiomyopathy. Last evaluated: 2023-08-15. Review status: criteria provided, single submitter. Criteria: ACMG Guidelines, 2015. Collection method: clinical testing. Allele origin: germline. Inheritance: Autosomal dominant inheritance. Observed: 1 variant allele, 1 heterozygote.
Comment: This study involves interpretation of variants in research participants for the purpose of population health screening. Participant phenotype was not available at the time of variant classification. Additional details can be found in publication PMID: 35346344, PMCID: PMC8962531